The following is an entry in ClinVar:

NM_000755.5(CRAT):c.1153A>G (p.Ile385Val)

Gene: CRAT (carnitine O-acetyltransferase; minus strand). Cytogenetic location: 9q34.11.
Variant type: single nucleotide variant.
Coding change: c.1153A>G on transcript NM_000755.5 (MANE Select); coding-DNA position 1153, A replaced by G.
Protein change: p.Ile385Val; replaces isoleucine 385 with valine.
Molecular consequence: missense variant.
Genome position (GRCh38, 1-based): chr9:129,098,583, T>C on the plus strand (A>G on the coding strand, the complement: CRAT is on the minus strand). VCF-style: chr9-129098583-T-C. GRCh37 (hg19) VCF-style: chr9-131860862-T-C.
Other names: c.1090A>G, p.Ile364Val (NM_001257363.3, NM_001346548.2, NM_004003.4); c.1156A>G, p.Ile386Val (NM_001346546.2); c.1153A>G, p.Ile385Val (NM_001346547.2); c.1033A>G, p.Ile345Val (NM_001346549.2); short protein forms I345V, I364V, I385V, I386V.
Identifiers: ClinVar variation 2845706 (VCV002845706.3), dbSNP rs2490721870, ClinGen allele CA375141696.

ClinVar aggregate classification (germline): Uncertain significance (1 of 4 stars; one submission).

Allele frequency attached by ClinVar (database versions not stated): gnomAD exomes below 0.00001.

Submission:

Labcorp Genetics (formerly Invitae), Labcorp
Classification: Uncertain significance. Last evaluated: 2023-03-14. Review status: criteria provided, single submitter. Criteria: Invitae Variant Classification Sherloc (09022015). Collection method: clinical testing. Allele origin: germline.
Comment: In summary, the available evidence is currently insufficient to determine the role of this variant in disease. Therefore, it has been classified as a Variant of Uncertain Significance. Advanced modeling of protein sequence and biophysical properties (such as structural, functional, and spatial information, amino acid conservation, physicochemical variation, residue mobility, and thermodynamic stability) performed at Invitae indicates that this missense variant is not expected to disrupt CRAT protein function. This variant has not been reported in the literature in individuals affected with CRAT-related conditions. This variant is not present in population databases (gnomAD no frequency). This sequence change replaces isoleucine, which is neutral and non-polar, with valine, which is neutral and non-polar, at codon 385 of the CRAT protein (p.Ile385Val).